The following is an entry in ClinVar:

ClinVar aggregate classification (germline): Uncertain significance. Review status: criteria provided, multiple submitters, no conflicts (2 of 4 stars). 2 submissions from 2 submitters: Uncertain significance (2). Last evaluated 2025-10-26.

Conditions:
Familial cancer of breast. Also called: BREAST CANCER, FAMILIAL; Hereditary breast cancer; hereditary breast carcinoma. Identifiers: Orphanet 227535, MedGen C0346153, MONDO:0016419, OMIM 114480. Disease mechanism: loss of function.
Hereditary cancer-predisposing syndrome. Also called: Neoplastic Syndromes, Hereditary; Tumor predisposition; Hereditary Cancer Syndrome; Hereditary neoplastic syndrome. Identifiers: Orphanet 140162, MedGen C0027672, MeSH D009386, MONDO:0015356.

Submissions (2):

Labcorp Genetics (formerly Invitae), Labcorp
Classification: Uncertain significance for Familial cancer of breast. Last evaluated: 2025-10-26. Review status: criteria provided, single submitter. Criteria: Invitae Variant Classification Sherloc (09022015). Collection method: clinical testing. Allele origin: germline.
Comment: This sequence change replaces lysine, which is basic and polar, with glutamic acid, which is acidic and polar, at codon 650 of the BARD1 protein (p.Lys650Glu). This variant is not present in population databases (gnomAD no frequency). This variant has not been reported in the literature in individuals affected with BARD1-related conditions. ClinVar contains an entry for this variant (Variation ID: 820384). An algorithm developed to predict the effect of missense changes on protein structure and function (PolyPhen-2) suggests that this variant is likely to be tolerated. In summary, the available evidence is currently insufficient to determine the role of this variant in disease. Therefore, it has been classified as a Variant of Uncertain Significance.

Ambry Genetics
Classification: Uncertain significance for Hereditary cancer-predisposing syndrome. Last evaluated: 2025-05-24. Review status: criteria provided, single submitter. Criteria: Ambry Variant Classification Scheme 2023. Collection method: clinical testing. Allele origin: germline.
Comment: The p.K650E variant (also known as c.1948A>G), located in coding exon 10 of the BARD1 gene, results from an A to G substitution at nucleotide position 1948. The lysine at codon 650 is replaced by glutamic acid, an amino acid with similar properties. This amino acid position is not well conserved in available vertebrate species. In addition, this alteration is predicted to be tolerated by in silico analysis. Since supporting evidence is limited at this time, the clinical significance of this alteration remains unclear.

NM_000465.4(BARD1):c.1948A>G (p.Lys650Glu)

Gene: BARD1 (BRCA1 associated RING domain 1; minus strand). Cytogenetic location: 2q35.
Variant type: single nucleotide variant.
Coding change: c.1948A>G on transcript NM_000465.4 (MANE Select); coding-DNA position 1948, A replaced by G.
Protein change: p.Lys650Glu; replaces lysine 650 with glutamic acid.
Molecular consequence: missense variant. On other transcripts: non-coding transcript variant (3).
Genome position (GRCh38, 1-based): chr2:214,730,464, T>C on the plus strand (A>G on the coding strand, the complement: BARD1 is on the minus strand). VCF-style: chr2-214730464-T-C. GRCh37 (hg19) VCF-style: chr2-215595188-T-C.
Other names: c.1891A>G, p.Lys631Glu (NM_001282543.2); c.595A>G, p.Lys199Glu (NM_001282545.2); c.538A>G, p.Lys180Glu (NM_001282548.2); c.409A>G, p.Lys137Glu (NM_001282549.2); short protein forms K631E, K180E, K199E, K137E, K650E.
Identifiers: ClinVar variation 820384 (VCV000820384.12), dbSNP rs1283527672, ClinGen allele CA350451183.
Genomic context (GRCh38, chr2:214,730,464, plus strand): 5'-AAAATACCAGCTGTTCTCTGTTGAGCCTGCTTCTGCGTGGACCTTCAGGAATTTCATACT[T>C]TTCTTCCTGTTCACATACTTTTCTTCGTAGACATGCTTTTACCCCTGACAAAAACACAAG-3'
Protein context (NP_000456.2, residues 640-660): LRRKVCEQEE[Lys650Glu]YEIPEGPRRS